The following is an entry in ClinVar:

NM_006073.4(TRDN):c.28G>T (p.Ala10Ser)

Gene: TRDN (triadin; minus strand). Cytogenetic location: 6q22.31.
Variant type: single nucleotide variant.
Coding change: c.28G>T on transcript NM_006073.4 (MANE Select); coding-DNA position 28, G replaced by T.
Protein change: p.Ala10Ser; replaces alanine 10 with serine.
Molecular consequence: missense variant.
Genome position (GRCh38, 1-based): chr6:123,571,127, C>A on the plus strand (G>T on the coding strand, the complement: TRDN is on the minus strand). VCF-style: chr6-123571127-C-A. GRCh37 (hg19) VCF-style: chr6-123892272-C-A.
Other names: c.28G>T, p.Ala10Ser (NM_001251987.2, NM_001256020.2, NM_001256021.2 and 2 more transcripts); short protein forms A10S.
Identifiers: ClinVar variation 5031103 (VCV005031103.1).

ClinVar aggregate classification (germline): Uncertain significance (1 of 4 stars; one submission).

Conditions:
Cardiovascular phenotype. Identifiers: MedGen CN230736.

gnomAD v4.1: 1 of 1,613,682 alleles (0.000062%); highest among the groups gnomAD compares: Non-Finnish European, 0.000085%; no homozygotes.

Submission:

Ambry Genetics
Classification: Uncertain significance for Cardiovascular phenotype. Last evaluated: 2026-08-10. Review status: criteria provided, single submitter. Criteria: Ambry Variant Classification Scheme 2023. Collection method: clinical testing. Allele origin: germline.
Comment: The p.A10S variant (also known as c.28G>T), located in coding exon 2 of the TRDN gene, results from a G to T substitution at nucleotide position 28. The alanine at codon 10 is replaced by serine, an amino acid with similar properties. This amino acid position is conserved. In addition, this alteration is predicted to be tolerated by in silico analysis. Based on the available evidence, the clinical significance of this variant remains unclear.